The following is an entry in ClinVar:

ClinVar aggregate classification (germline): Likely pathogenic (1 of 4 stars; one submission).

Conditions:
Pheochromocytoma/paraganglioma syndrome 3. Also called: GLOMUS TUMORS, FAMILIAL, 3; Paragangliomas 3; SDHC-Related Hereditary Paraganglioma-Pheochromocytoma Syndrome (Paragangliomas 3); SDHC-Related Hereditary Paraganglioma-Pheochromocytoma Syndrome. Identifiers: Orphanet 29072, MedGen C1854336, MONDO:0011544, OMIM 605373.

Submission:

Myriad Genetics, Inc.
Classification: Likely pathogenic for Pheochromocytoma/paraganglioma syndrome 3. Last evaluated: 2025-06-23. Review status: criteria provided, single submitter. Criteria: Myriad Autosomal Dominant, Autosomal Recessive and X-Linked Classification Criteria (2023). Collection method: clinical testing. Allele origin: unknown.
Comment: This variant is considered likely pathogenic. This variant occurs within a consensus splice junction and is predicted to result in abnormal mRNA splicing of either an out-of-frame exon or an in-frame exon necessary for protein stability and/or normal function.

NM_003001.5(SDHC):c.20+2T>G

Gene: SDHC (succinate dehydrogenase complex subunit C; plus strand). Cytogenetic location: 1q23.3.
Variant type: single nucleotide variant.
Coding change: c.20+2T>G on transcript NM_003001.5 (MANE Select); the canonical splice donor site of the intron after coding-DNA position 20, T replaced by G.
Molecular consequence: splice donor variant. On other transcripts: 5 prime UTR variant (1).
Genome position (GRCh38, 1-based): chr1:161,314,427, T>G. VCF-style: chr1-161314427-T-G. GRCh37 (hg19) VCF-style: chr1-161284217-T-G.
Other names: c.-539T>G (NM_001407119.1); c.-210+2T>G (NM_001407120.1); c.20+2T>G (NM_001407115.1, NM_001035511.3, NM_001035512.3 and 6 more transcripts).
Identifiers: ClinVar variation 4071123 (VCV004071123.1).
Genomic context (GRCh38, chr1:161,314,427, plus strand): 5'-GGCCGCCTGGCGTCACTTCCGTCCAGACCGGAACCCAAGATGGCTGCGCTGTTGCTGAGG[T>G]GACTTCAGTGGGACTGGGAGTTGGTGCCTGCGGCCCTCCGGAGATCTGAACTGGCCCCTC-3'